The following is an entry in ClinVar:

ClinVar aggregate classification (germline): Uncertain significance (1 of 4 stars; one submission).

Conditions:
Thrombocytopenia 1. Also called: THROMBOCYTOPENIA, X-LINKED, 1; X-Linked Thrombocytopenia (XLT); X-linked thrombocytopenia with normal platelets. Identifiers: Orphanet 268322, Orphanet 852, MedGen C1839163, MONDO:0010743, OMIM 313900.
Wiskott-Aldrich syndrome (WAS). Also called: Wiskott-aldrich syndrome, somatic; ALDRICH SYNDROME; IMMUNODEFICIENCY 2; WISKOTT-ALDRICH SYNDROME 1. Identifiers: Orphanet 906, MedGen C0043194, MONDO:0010518, OMIM 301000.
X-linked severe congenital neutropenia (SCNX). Identifiers: Orphanet 86788, MedGen C1845987, MONDO:0010294, OMIM 300299.

Allele frequency attached by ClinVar (database versions not stated): TOPMed 0.00001.

Submission:

Labcorp Genetics (formerly Invitae), Labcorp
Classification: Uncertain significance for Wiskott-Aldrich syndrome; X-linked severe congenital neutropenia; Thrombocytopenia 1. Last evaluated: 2024-07-22. Review status: criteria provided, single submitter. Criteria: Invitae Variant Classification Sherloc (09022015). Collection method: clinical testing. Allele origin: germline.
Comment: This sequence change replaces serine, which is neutral and polar, with phenylalanine, which is neutral and non-polar, at codon 320 of the WAS protein (p.Ser320Phe). This variant is not present in population databases (gnomAD no frequency). This variant has not been reported in the literature in individuals affected with WAS-related conditions. ClinVar contains an entry for this variant (Variation ID: 2182785). Advanced modeling of protein sequence and biophysical properties (such as structural, functional, and spatial information, amino acid conservation, physicochemical variation, residue mobility, and thermodynamic stability) performed at Invitae indicates that this missense variant is not expected to disrupt WAS protein function with a negative predictive value of 80%. In summary, the available evidence is currently insufficient to determine the role of this variant in disease. Therefore, it has been classified as a Variant of Uncertain Significance.

NM_000377.3(WAS):c.959C>T (p.Ser320Phe)

Gene: WAS (WASP actin nucleation promoting factor; plus strand). Cytogenetic location: Xp11.23.
Variant type: single nucleotide variant.
Coding change: c.959C>T on transcript NM_000377.3 (MANE Select); coding-DNA position 959, C replaced by T.
Protein change: p.Ser320Phe; replaces serine 320 with phenylalanine.
Molecular consequence: missense variant.
Genome position (GRCh38, 1-based): chrX:48,688,687, C>T. VCF-style: chrX-48688687-C-T. GRCh37 (hg19) VCF-style: chrX-48547076-C-T.
Other names: short protein forms S320F.
Identifiers: ClinVar variation 2182785 (VCV002182785.4), dbSNP rs1443322705, ClinGen allele CA412872753.